The following is an entry in ClinVar:

NM_005619.5(RTN2):c.1411G>A (p.Val471Met)

Genes: OPA3-RTN2 (OPA3-RTN2 readthrough; minus strand), RTN2 (reticulon 2; minus strand). Cytogenetic location: 19q13.32.
Variant type: single nucleotide variant.
Coding change: c.1411G>A on transcript NM_005619.5 (MANE Select); coding-DNA position 1411, G replaced by A.
Protein change: p.Val471Met; replaces valine 471 with methionine.
Molecular consequence: missense variant.
Genome position (GRCh38, 1-based): chr19:45,488,676, C>T on the plus strand (G>A on the coding strand, the complement: RTN2 is on the minus strand). VCF-style: chr19-45488676-C-T. GRCh37 (hg19) VCF-style: chr19-45991934-C-T.
Other names: c.1192G>A, p.Val398Met (NM_206900.3); c.391G>A, p.Val131Met (NM_206901.3); c.1411G>A (NM_005619.3); short protein forms V471M, V398M, V131M.
Identifiers: ClinVar variation 458237 (VCV000458237.10), dbSNP rs138355894, ClinGen allele CA9515977.

ClinVar aggregate classification (germline): Uncertain significance. Review status: criteria provided, multiple submitters, no conflicts (2 of 4 stars). 3 submissions from 3 submitters: Uncertain significance (3). Last evaluated 2023-12-21.

Conditions:
Spastic paraplegia. Identifiers: MedGen C0037772, HP:0001258.
Inborn genetic diseases. Identifiers: MedGen C0950123, MeSH D030342.
Hereditary spastic paraplegia 12 (SPG12). Also called: SPASTIC PARAPLEGIA 12, AUTOSOMAL DOMINANT. Identifiers: Orphanet 100993, MedGen C1858106, MONDO:0011489, OMIM 604805.

Allele frequency attached by ClinVar (database versions not stated): TOPMed 0.00003; gnomAD 0.00005; ESP Exome Variant Server 0.00008.
gnomAD v4.1: 67 of 1,613,804 alleles (0.0042%); highest among the groups gnomAD compares: South Asian, 0.021%; no homozygotes.

Submissions (3):

Ambry Genetics
Classification: Uncertain significance for Inborn genetic diseases. Last evaluated: 2023-12-21. Review status: criteria provided, single submitter. Criteria: Ambry Variant Classification Scheme 2023. Collection method: clinical testing. Allele origin: germline.

Kariminejad - Najmabadi Pathology & Genetics Center
Classification: Uncertain significance for Hereditary spastic paraplegia 12. Last evaluated: 2021-07-19. Review status: criteria provided, single submitter. Criteria: ACMG Guidelines, 2015. Collection method: clinical testing. Allele origin: germline. Inheritance: Autosomal dominant inheritance. Affected: yes.
Comment: PP3

Labcorp Genetics (formerly Invitae), Labcorp
Classification: Uncertain significance for Spastic paraplegia. Last evaluated: 2020-02-14. Review status: criteria provided, single submitter. Criteria: Invitae Variant Classification Sherloc (09022015). Collection method: clinical testing. Allele origin: germline.
Comment: In summary, the available evidence is currently insufficient to determine the role of this variant in disease. Therefore, it has been classified as a Variant of Uncertain Significance. This sequence change replaces valine with methionine at codon 471 of the RTN2 protein (p.Val471Met). The valine residue is moderately conserved and there is a small physicochemical difference between valine and methionine. This variant is present in population databases (rs138355894, ExAC 0.02%), and has an allele count higher than expected for a pathogenic variant (PMID: 28166811). This variant has not been reported in the literature in individuals with RTN2-related disease. Algorithms developed to predict the effect of missense changes on protein structure and function do not agree on the potential impact of this missense change (SIFT: "Deleterious"; PolyPhen-2: "Probably Damaging"; Align-GVGD: "Class C0").

Literature cited by the submitters: PubMed 28166811 (cited by Labcorp Genetics (formerly Invitae), Labcorp).